The following is an entry in ClinVar:

ClinVar aggregate classification (germline): Uncertain significance (1 of 4 stars; one submission).

Allele frequency attached by ClinVar (database versions not stated): gnomAD exomes below 0.00001; ExAC 0.00001; TOPMed 0.00002; gnomAD 0.00003.
gnomAD v4.1: 8 of 1,588,968 alleles (0.0005%); highest among the groups gnomAD compares: African/African-American, 0.0094%; no homozygotes.

Submission:

Labcorp Genetics (formerly Invitae), Labcorp
Classification: Uncertain significance. Last evaluated: 2023-10-22. Review status: criteria provided, single submitter. Criteria: Invitae Variant Classification Sherloc (09022015). Collection method: clinical testing. Allele origin: germline.
Comment: This sequence change replaces histidine, which is basic and polar, with tyrosine, which is neutral and polar, at codon 657 of the DIAPH3 protein (p.His657Tyr). The frequency data for this variant in the population databases is considered unreliable, as metrics indicate poor data quality at this position in the gnomAD database. This variant has not been reported in the literature in individuals affected with DIAPH3-related conditions. ClinVar contains an entry for this variant (Variation ID: 1931203). An algorithm developed to predict the effect of missense changes on protein structure and function (PolyPhen-2) suggests that this variant is likely to be disruptive. In summary, the available evidence is currently insufficient to determine the role of this variant in disease. Therefore, it has been classified as a Variant of Uncertain Significance.

NM_001042517.2(DIAPH3):c.1969C>T (p.His657Tyr)

Gene: DIAPH3 (diaphanous related formin 3; minus strand). Cytogenetic location: 13q21.2.
Variant type: single nucleotide variant.
Coding change: c.1969C>T on transcript NM_001042517.2 (MANE Select); coding-DNA position 1969, C replaced by T.
Protein change: p.His657Tyr; replaces histidine 657 with tyrosine.
Molecular consequence: missense variant.
Genome position (GRCh38, 1-based): chr13:59,970,049, G>A on the plus strand (C>T on the coding strand, the complement: DIAPH3 is on the minus strand). VCF-style: chr13-59970049-G-A. GRCh37 (hg19) VCF-style: chr13-60544183-G-A.
Other names: c.1936C>T, p.His646Tyr (NM_001258366.2); c.1831C>T, p.His611Tyr (NM_001258367.2); c.1759C>T, p.His587Tyr (NM_001258368.2); c.1969C>T, p.His657Tyr (NM_001258369.2); c.1180C>T, p.His394Tyr (NM_001258370.2, NM_030932.4); short protein forms H611Y, H657Y, H394Y, H587Y, H646Y.
Identifiers: ClinVar variation 1931203 (VCV001931203.5), dbSNP rs771360069, ClinGen allele CA6996525.